The following is an entry in ClinVar:

ClinVar aggregate classification (germline): Likely pathogenic (1 of 4 stars; one submission).

Submission:

GeneDx
Classification: Likely pathogenic. Last evaluated: 2016-11-04. Review status: criteria provided, single submitter. Criteria: GeneDx Variant Classification (06012015). Collection method: clinical testing. Allele origin: germline. Affected: yes.
Comment: p.Val290Met (GTG>ATG): c.868 G>A in exon 10 of the GABRA1 gene (NM_000806.5). The V290M variant has not been published as a mutation, nor has it been reported as a benign polymorphism to our knowledge. It was not observed in approximately 6,500 individuals of European and African American ancestry in the NHLBI Exome Sequencing Project, indicating it is not a common benign variant in these populations. The V290M variant alters a highly conserved position in the GABRA1 protein and in silico analysis predicts this variant is probably damaging to the protein structure/function. However V290M is a conservative amino acid substitution, which is not likely to impact secondary protein structure as these residues share similar properties. Additionally, missense mutations in nearby residues have not been reported in association with epilepsy. Therefore, based on the currently available information, it is unclear whether this variant is a pathogenic mutation or a rare benign variant. The variant is found in EPILEPSY panel(s).

NM_001127644.2(GABRA1):c.868G>A (p.Val290Met)

Gene: GABRA1 (gamma-aminobutyric acid type A receptor subunit alpha1; plus strand). Cytogenetic location: 5q34.
Variant type: single nucleotide variant.
Coding change: c.868G>A on transcript NM_001127644.2 (MANE Select); coding-DNA position 868, G replaced by A.
Protein change: p.Val290Met; replaces valine 290 with methionine.
Molecular consequence: missense variant.
Genome position (GRCh38, 1-based): chr5:161,895,677, G>A. VCF-style: chr5-161895677-G-A. GRCh37 (hg19) VCF-style: chr5-161322683-G-A.
Other names: p.V290M:GTG>ATG; c.868G>A, p.Val290Met (NM_000806.5, NM_001127643.2, NM_001127645.2 and 1 more transcripts); short protein forms V290M.
Identifiers: ClinVar variation 205523 (VCV000205523.2), dbSNP rs796052494, ClinGen allele CA314676.